The following is an entry in ClinVar:

ClinVar aggregate classification (germline): Uncertain significance (1 of 4 stars; one submission).

Submission:

Labcorp Genetics (formerly Invitae), Labcorp
Classification: Uncertain significance. Last evaluated: 2023-04-09. Review status: criteria provided, single submitter. Criteria: Invitae Variant Classification Sherloc (09022015). Collection method: clinical testing. Allele origin: germline.
Comment: This sequence change replaces leucine, which is neutral and non-polar, with proline, which is neutral and non-polar, at codon 6 of the COL7A1 protein (p.Leu6Pro). This variant is not present in population databases (gnomAD no frequency). This variant has not been reported in the literature in individuals affected with COL7A1-related conditions. Advanced modeling of protein sequence and biophysical properties (such as structural, functional, and spatial information, amino acid conservation, physicochemical variation, residue mobility, and thermodynamic stability) performed at Invitae indicates that this missense variant is not expected to disrupt COL7A1 protein function. In summary, the available evidence is currently insufficient to determine the role of this variant in disease. Therefore, it has been classified as a Variant of Uncertain Significance.

NM_000094.4(COL7A1):c.17T>C (p.Leu6Pro)

Gene: COL7A1 (collagen type VII alpha 1 chain; minus strand). Cytogenetic location: 3p21.31.
Variant type: single nucleotide variant.
Coding change: c.17T>C on transcript NM_000094.4 (MANE Select); coding-DNA position 17, T replaced by C.
Protein change: p.Leu6Pro; replaces leucine 6 with proline.
Molecular consequence: missense variant.
Genome position (GRCh38, 1-based): chr3:48,595,143, A>G on the plus strand (T>C on the coding strand, the complement: COL7A1 is on the minus strand). VCF-style: chr3-48595143-A-G. GRCh37 (hg19) VCF-style: chr3-48632576-A-G.
Other names: short protein forms L6P.
Identifiers: ClinVar variation 2996920 (VCV002996920.3), dbSNP rs2531378579, ClinGen allele CA352750618.